The following is an entry in ClinVar:

NM_003562.5(SLC25A11):c.687C>T (p.Ser229=)

Gene: SLC25A11 (solute carrier family 25 member 11; minus strand). Cytogenetic location: 17p13.2.
Variant type: single nucleotide variant.
Coding change: c.687C>T on transcript NM_003562.5 (MANE Select); coding-DNA position 687, C replaced by T.
Protein change: p.Ser229=; no amino-acid change (serine 229 retained).
Molecular consequence: synonymous variant.
Genome position (GRCh38, 1-based): chr17:4,938,204, G>A on the plus strand (C>T on the coding strand, the complement: SLC25A11 is on the minus strand). VCF-style: chr17-4938204-G-A. GRCh37 (hg19) VCF-style: chr17-4841499-G-A.
Other names: c.654C>T, p.Ser218= (NM_001165417.2); c.534C>T, p.Ser178= (NM_001165418.2).
Identifiers: ClinVar variation 4750732 (VCV004750732.1).
Genomic context (GRCh38, chr17:4,938,204, plus strand): 5'-GCACACTCACCGGGTCTTGGCAATGTCCACAGGCATGGAGGCAGCAGTGGTGACAAGACC[G>A]CTGATCATGCTGGCACAGAAGTGGCACAAGATGTTGTCAGAGAAGTAGCCTGGGGGAGGT-3'
Protein context (NP_003553.2, residues 219-239): ILCHFCASMI[Ser229=]GLVTTAASMP

ClinVar aggregate classification (germline): Uncertain significance (1 of 4 stars; one submission).

gnomAD v4.1: 25 of 1,614,054 alleles (0.0015%); highest among the groups gnomAD compares: Admixed American, 0.0033%; no homozygotes.

Submission:

Labcorp Genetics (formerly Invitae), Labcorp
Classification: Uncertain significance. Last evaluated: 2025-04-27. Review status: criteria provided, single submitter. Criteria: Invitae Variant Classification Sherloc (09022015). Collection method: clinical testing. Allele origin: germline.
Comment: This sequence change affects codon 229 of the SLC25A11 mRNA. It is a 'silent' change, meaning that it does not change the encoded amino acid sequence of the SLC25A11 protein. This variant is present in population databases (rs200653286, gnomAD 0.01%). This variant has not been reported in the literature in individuals affected with SLC25A11-related conditions. Experimental studies and prediction algorithms are not available or were not evaluated, and the effect of this variant on mRNA splicing is currently unknown. In summary, the available evidence is currently insufficient to determine the role of this variant in disease. Therefore, it has been classified as a Variant of Uncertain Significance.